The following is an entry in ClinVar:

NM_000321.3(RB1):c.2120C>T (p.Ser707Phe)

Gene: RB1 (RB transcriptional corepressor 1; plus strand). Cytogenetic location: 13q14.2.
Variant type: single nucleotide variant.
Coding change: c.2120C>T on transcript NM_000321.3 (MANE Select); coding-DNA position 2120, C replaced by T.
Protein change: p.Ser707Phe; replaces serine 707 with phenylalanine.
Molecular consequence: missense variant.
Genome position (GRCh38, 1-based): chr13:48,463,744, C>T. VCF-style: chr13-48463744-C-T. GRCh37 (hg19) VCF-style: chr13-49037880-C-T.
Other names: c.2120C>T, p.Ser707Phe (NM_001407165.1); short protein forms S707F.
Identifiers: ClinVar variation 3231212 (VCV003231212.2), dbSNP rs2138342259, ClinGen allele CA388167031.

ClinVar aggregate classification (germline): Uncertain significance (1 of 4 stars; one submission).

Conditions:
Hereditary cancer-predisposing syndrome. Also called: Neoplastic Syndromes, Hereditary; Tumor predisposition; Hereditary Cancer Syndrome; Hereditary neoplastic syndrome. Identifiers: Orphanet 140162, MedGen C0027672, MeSH D009386, MONDO:0015356.

Submission:

Ambry Genetics
Classification: Uncertain significance for Hereditary cancer-predisposing syndrome. Last evaluated: 2026-07-27. Review status: criteria provided, single submitter. Criteria: Ambry Variant Classification Scheme 2023. Collection method: clinical testing. Allele origin: germline.
Comment: The p.S707F variant (also known as c.2120C>T), located in coding exon 21 of the RB1 gene, results from a C to T substitution at nucleotide position 2120. The serine at codon 707 is replaced by phenylalanine, an amino acid with highly dissimilar properties. This amino acid position is well conserved in available vertebrate species. In addition, this alteration is predicted to be deleterious by in silico analysis. Based on the available evidence, the clinical significance of this variant remains unclear.